The following is an entry in ClinVar:

NM_032387.5(WNK4):c.2321T>C (p.Leu774Pro)

Gene: WNK4 (WNK lysine deficient protein kinase 4; plus strand). Cytogenetic location: 17q21.2.
Variant type: single nucleotide variant.
Coding change: c.2321T>C on transcript NM_032387.5 (MANE Select); coding-DNA position 2321, T replaced by C.
Protein change: p.Leu774Pro; replaces leucine 774 with proline.
Molecular consequence: missense variant.
Genome position (GRCh38, 1-based): chr17:42,794,639, T>C. VCF-style: chr17-42794639-T-C. GRCh37 (hg19) VCF-style: chr17-40946657-T-C.
Other names: c.1313T>C, p.Leu438Pro (NM_001321299.2); short protein forms L438P, L774P.
Identifiers: ClinVar variation 3626883 (VCV003626883.2).

ClinVar aggregate classification (germline): Uncertain significance (1 of 4 stars; one submission).

gnomAD v4.1: 6 of 1,613,830 alleles (0.00037%); highest among the groups gnomAD compares: Admixed American, 0.01%; no homozygotes.

Submission:

Labcorp Genetics (formerly Invitae), Labcorp
Classification: Uncertain significance. Last evaluated: 2026-01-13. Review status: criteria provided, single submitter. Criteria: Invitae Variant Classification Sherloc (09022015). Collection method: clinical testing. Allele origin: germline.
Comment: This sequence change replaces leucine, which is neutral and non-polar, with proline, which is neutral and non-polar, at codon 774 of the WNK4 protein (p.Leu774Pro). This variant is present in population databases (rs747445147, gnomAD 0.009%). This variant has not been reported in the literature in individuals affected with WNK4-related conditions. ClinVar contains an entry for this variant (Variation ID: 3626883). Invitae Evidence Modeling of protein sequence and biophysical properties (such as structural, functional, and spatial information, amino acid conservation, physicochemical variation, residue mobility, and thermodynamic stability) indicates that this missense variant is not expected to disrupt WNK4 protein function with a negative predictive value of 95%. In summary, the available evidence is currently insufficient to determine the role of this variant in disease. Therefore, it has been classified as a Variant of Uncertain Significance.